The following is an entry in ClinVar:

NM_000466.3(PEX1):c.1407G>T (p.Trp469Cys)

Gene: PEX1 (peroxisomal biogenesis factor 1; minus strand). Cytogenetic location: 7q21.2.
Variant type: single nucleotide variant.
Coding change: c.1407G>T on transcript NM_000466.3 (MANE Select); coding-DNA position 1407, G replaced by T.
Protein change: p.Trp469Cys; replaces tryptophan 469 with cysteine.
Molecular consequence: missense variant.
Genome position (GRCh38, 1-based): chr7:92,511,656, C>A on the plus strand (G>T on the coding strand, the complement: PEX1 is on the minus strand). VCF-style: chr7-92511656-C-A. GRCh37 (hg19) VCF-style: chr7-92140970-C-A.
Other names: c.1407G>T, p.Trp469Cys (NM_001282677.2); c.783G>T, p.Trp261Cys (NM_001282678.2); short protein forms W469C, W261C.
Identifiers: ClinVar variation 502682 (VCV000502682.11), dbSNP rs746349696, ClinGen allele CA4341404.
Genomic context (GRCh38, chr7:92,511,656, plus strand): 5'-CTTAATAAATTCTTCCTCTGATATTACCAAAGGAAGCATGGTGGTAGTAGACTGCTGTAG[C>A]CATGAATAAAATACAGTTTTTATGTCTTCTTCACTTATGTCTTTAGGCTGCCAGAAAAAG-3'
Protein context (NP_000457.1, residues 459-479): EEDIKTVFYS[Trp469Cys]LQQSTTTMLP

ClinVar aggregate classification (germline): Uncertain significance. Review status: criteria provided, multiple submitters, no conflicts (2 of 4 stars). 2 submissions from 2 submitters: Uncertain significance (2). Last evaluated 2024-11-18.

Conditions:
Zellweger spectrum disorders (ZS). Also called: Zellweger Spectrum Disorder (ZSD); Zellweger Spectrum Disorder; Zellweger Spectrum; Zellweger syndrome. Identifiers: Orphanet 912, MedGen C0043459, MONDO:0019609.

Allele frequency attached by ClinVar (database versions not stated): ExAC 0.00001; gnomAD exomes 0.00001.
gnomAD v4.1: 4 of 1,611,628 alleles (0.00025%); highest among the groups gnomAD compares: Admixed American, 0.005%; no homozygotes.

Submissions (2):

Labcorp Genetics (formerly Invitae), Labcorp
Classification: Uncertain significance for Zellweger spectrum disorders. Last evaluated: 2024-11-18. Review status: criteria provided, single submitter. Criteria: Invitae Variant Classification Sherloc (09022015). Collection method: clinical testing. Allele origin: germline.
Comment: This sequence change replaces tryptophan, which is neutral and slightly polar, with cysteine, which is neutral and slightly polar, at codon 469 of the PEX1 protein (p.Trp469Cys). This variant is present in population databases (rs746349696, gnomAD 0.009%). This variant has not been reported in the literature in individuals affected with PEX1-related conditions. ClinVar contains an entry for this variant (Variation ID: 502682). Invitae Evidence Modeling of protein sequence and biophysical properties (such as structural, functional, and spatial information, amino acid conservation, physicochemical variation, residue mobility, and thermodynamic stability) indicates that this missense variant is expected to disrupt PEX1 protein function with a positive predictive value of 95%. Algorithms developed to predict the effect of sequence changes on RNA splicing suggest that this variant may create or strengthen a splice site. In summary, the available evidence is currently insufficient to determine the role of this variant in disease. Therefore, it has been classified as a Variant of Uncertain Significance.

Eurofins Ntd Llc (ga)
Classification: Uncertain significance. Last evaluated: 2017-06-23. Review status: criteria provided, single submitter. Criteria: EGL Classification Definitions 2015. Collection method: clinical testing. Allele origin: germline. Observed: 1 variant allele, 1 heterozygote.